The following is an entry in ClinVar:

NM_006231.4(POLE):c.5914G>A (p.Val1972Met)

Gene: POLE (DNA polymerase epsilon, catalytic subunit; minus strand). Cytogenetic location: 12q24.33.
Variant type: single nucleotide variant.
Coding change: c.5914G>A on transcript NM_006231.4 (MANE Select); coding-DNA position 5914, G replaced by A.
Protein change: p.Val1972Met; replaces valine 1972 with methionine.
Molecular consequence: missense variant.
Genome position (GRCh38, 1-based): chr12:132,634,276, C>T on the plus strand (G>A on the coding strand, the complement: POLE is on the minus strand). VCF-style: chr12-132634276-C-T. GRCh37 (hg19) VCF-style: chr12-133210862-C-T.
Other names: short protein forms V1972M.
Identifiers: ClinVar variation 574304 (VCV000574304.14), dbSNP rs774726229, ClinGen allele CA6892337.

ClinVar aggregate classification (germline): Uncertain significance. Review status: criteria provided, multiple submitters, no conflicts (2 of 4 stars). 4 submissions from 4 submitters: Uncertain significance (3). 1 of the submissions does not count toward it. Last evaluated 2025-12-28.

Conditions:
POLE-related disorder. Also called: POLE-related condition; POLE-related disorders.
Hereditary cancer-predisposing syndrome. Also called: Neoplastic Syndromes, Hereditary; Hereditary Cancer Syndrome; Tumor predisposition; Hereditary neoplastic syndrome. Identifiers: Orphanet 140162, MedGen C0027672, MeSH D009386, MONDO:0015356.

Allele frequency attached by ClinVar (database versions not stated): gnomAD 0.00001; TOPMed 0.00001; ExAC 0.00004.
gnomAD v4.1: 40 of 1,614,118 alleles (0.0025%); highest among the groups gnomAD compares: Non-Finnish European, 0.0031%; no homozygotes.

Submissions (4):

Labcorp Genetics (formerly Invitae), Labcorp
Classification: Uncertain significance. Last evaluated: 2025-12-28. Review status: criteria provided, single submitter. Criteria: Invitae Variant Classification Sherloc (09022015). Collection method: clinical testing. Allele origin: germline.
Comment: This sequence change replaces valine, which is neutral and non-polar, with methionine, which is neutral and non-polar, at codon 1972 of the POLE protein (p.Val1972Met). This variant is present in population databases (rs774726229, gnomAD 0.006%). This variant has not been reported in the literature in individuals affected with POLE-related conditions. ClinVar contains an entry for this variant (Variation ID: 574304). Invitae Evidence Modeling of protein sequence and biophysical properties (such as structural, functional, and spatial information, amino acid conservation, physicochemical variation, residue mobility, and thermodynamic stability) indicates that this missense variant is not expected to disrupt POLE protein function with a negative predictive value of 80%. In summary, the available evidence is currently insufficient to determine the role of this variant in disease. Therefore, it has been classified as a Variant of Uncertain Significance.

Ambry Genetics
Classification: Uncertain significance for Hereditary cancer-predisposing syndrome. Last evaluated: 2025-01-20. Review status: criteria provided, single submitter. Criteria: Ambry Variant Classification Scheme 2023. Collection method: clinical testing. Allele origin: germline.
Comment: The p.V1972M variant (also known as c.5914G>A), located in coding exon 43 of the POLE gene, results from a G to A substitution at nucleotide position 5914. The valine at codon 1972 is replaced by methionine, an amino acid with highly similar properties. This amino acid position is highly conserved in available vertebrate species. In addition, this alteration is predicted to be tolerated by in silico analysis. Based on the available evidence, the clinical significance of this variant remains unclear.

GeneDx
Classification: Uncertain significance. Last evaluated: 2021-03-31. Review status: criteria provided, single submitter. Criteria: GeneDx Variant Classification Process June 2021. Collection method: clinical testing. Allele origin: germline. Affected: yes.
Comment: Not observed at a significant frequency in large population cohorts (Lek 2016); In silico analysis, which includes protein predictors and evolutionary conservation, supports that this variant does not alter protein structure/function; Has not been previously published as pathogenic or benign to our knowledge; This variant is associated with the following publications: (PMID: 29056344, 27244218)

PreventionGenetics, part of Exact Sciences
Classification: Uncertain significance for POLE-related condition. Last evaluated: 2024-01-24. Review status: no assertion criteria provided. Collection method: clinical testing. Allele origin: germline. Not counted in ClinVar's aggregate classification.
Comment: The POLE c.5914G>A variant is predicted to result in the amino acid substitution p.Val1972Met. To our knowledge, this variant has not been reported in the literature. This variant is reported in 0.0054% of alleles in individuals of East Asian descent in gnomAD and is interpreted as a variant of uncertain significance in ClinVar. At this time, the clinical significance of this variant is uncertain due to the absence of conclusive functional and genetic evidence.